The following is an entry in ClinVar:

NM_001323289.2(CDKL5):c.656A>G (p.Gln219Arg)

Gene: CDKL5 (cyclin dependent kinase like 5; plus strand). Cytogenetic location: Xp22.13.
Variant type: single nucleotide variant.
Coding change: c.656A>G on transcript NM_001323289.2 (MANE Select); coding-DNA position 656, A replaced by G.
Protein change: p.Gln219Arg; replaces glutamine 219 with arginine.
Molecular consequence: missense variant.
Genome position (GRCh38, 1-based): chrX:18,588,055, A>G. VCF-style: chrX-18588055-A-G. GRCh37 (hg19) VCF-style: chrX-18606175-A-G.
Other names: NM_001323289.2(CDKL5):c.656A>G; p.Gln219Arg; c.656A>G, p.Gln219Arg (NM_001037343.2, NM_003159.3); short protein forms Q219R.
Identifiers: ClinVar variation 2572403 (VCV002572403.6), dbSNP rs786204963, ClinGen allele CA412353461.

ClinVar aggregate classification (germline): Likely pathogenic. Review status: reviewed by expert panel (3 of 4 stars). 4 submissions from 4 submitters: Likely pathogenic (1). 3 of the submissions do not count toward it. Last evaluated 2026-08-25.

Conditions:
CDKL5 disorder. Identifiers: MedGen CN296942, MONDO:0100039.
Developmental and epileptic encephalopathy, 2 (DEE2). Also called: INFANTILE SPASM SYNDROME, X-LINKED 2; CDKL5 deficiency disorder. Identifiers: Orphanet 1934, Orphanet 3451, Orphanet 505652, MedGen C4750718, MONDO:0010396, OMIM 300672.
Angelman syndrome-like. Identifiers: MedGen CN128785.

Submissions (4):

ClinGen Rett and Angelman-like Disorders Variant Curation Expert Panel
Classification: Likely pathogenic for CDKL5 disorder. Last evaluated: 2026-08-25. Review status: reviewed by expert panel. Criteria: ClinGen RettAS ACMG Specifications CDKL5 V6.0. Collection method: curation. Allele origin: germline. Inheritance: X-linked inheritance.
Comment: The p.Gln219Arg variant in CDKL5 has been reported as a de novo occurrence (biological parentage confirmed) in an individual with CDKL5 disorder (PMID: 39944418) (PS2). The p.Gln219Arg variant has been observed in at least 1 additional individual with CDKL5 disorder, in a de novo state (biological parentage unconfirmed) (PMID: 33219631) (PS4_Supporting). The variant is absent from gnomAD v4.1.1 (PM2_Supporting), and computational prediction analysis tools suggests a deleterious impact; however, this information does not predict clinical significance on its own (PP3). A pathogenic missense variant (p.Gln219Pro) has been previously identified within this codon which indicates that this residue is critical to the function of the protein (ClinVar, ClinGen Rett and Angelman-like Disorders Variant Curation Expert Panel) (PM5). In summary, the p.Gln219Arg variant in CDKL5 is classified as Likely Pathogenic for CDKL5 disorder based on the ACMG/AMP criteria (PS2, PS4_Supporting, PP3, PM2_Supporting, PM5). CDKL5 Specifications v6.0; curation approved on 25-Aug-2026.

Medical and Scientific Branch, Hong Kong Genome Institute
Classification: Likely pathogenic for Developmental and epileptic encephalopathy, 2. Last evaluated: 2025-10-11. Review status: criteria provided, single submitter. Criteria: ACMG Guidelines, 2015. Collection method: clinical testing. Allele origin: de novo. Affected: yes. Not counted in ClinVar's aggregate classification.

Labcorp Genetics (formerly Invitae), Labcorp
Classification: Uncertain significance for Developmental and epileptic encephalopathy, 2; Angelman syndrome-like. Last evaluated: 2022-12-24. Review status: criteria provided, single submitter. Criteria: Invitae Variant Classification Sherloc (09022015). Collection method: clinical testing. Allele origin: germline. Not counted in ClinVar's aggregate classification.
Comment: Advanced modeling of protein sequence and biophysical properties (such as structural, functional, and spatial information, amino acid conservation, physicochemical variation, residue mobility, and thermodynamic stability) performed at Invitae indicates that this missense variant is expected to disrupt CDKL5 protein function. In summary, the available evidence is currently insufficient to determine the role of this variant in disease. Therefore, it has been classified as a Variant of Uncertain Significance. This variant has not been reported in the literature in individuals affected with CDKL5-related conditions. This variant is not present in population databases (gnomAD no frequency). This sequence change replaces glutamine, which is neutral and polar, with arginine, which is basic and polar, at codon 219 of the CDKL5 protein (p.Gln219Arg).

3billion
Classification: Uncertain significance for Developmental and epileptic encephalopathy, 2. Review status: criteria provided, single submitter. Criteria: ACMG Guidelines, 2015. Collection method: clinical testing. Allele origin: unknown. Affected: yes. Observed: 1 hemizygote. Not counted in ClinVar's aggregate classification.
Comment: The variant is not observed in the gnomAD v2.1.1 dataset. In silico tool predictions suggest damaging effect of the variant on gene or gene product (REVEL: 0.70; 3Cnet: 0.99). A different missense change at the same codon (p.Gln219Pro) has been reported to be associated with CDKL5 related disorder (ClinVar ID: VCV000189549 / PMID: 23151060). However the evidence of pathogenicity is insufficient at this time. Therefore, this variant is classified as Uncertain significance according to the recommendation of ACMG/AMP guideline.

Literature cited by the submitters: PubMed 23151060 (cited by 3billion).